The following is an entry in ClinVar:

ClinVar aggregate classification (germline): Likely benign. Review status: criteria provided, multiple submitters, no conflicts (2 of 4 stars). 2 submissions from 2 submitters: Likely benign (2). Last evaluated 2025-02-21.

Conditions:
Spastic paraplegia. Identifiers: MedGen C0037772, HP:0001258.

Allele frequency attached by ClinVar (database versions not stated): gnomAD exomes below 0.00001; TOPMed below 0.00001; ExAC 0.00001.
gnomAD v4.1: 3 of 1,614,042 alleles (0.00019%); highest among the groups gnomAD compares: Non-Finnish European, 0.00025%; no homozygotes.

Submissions (2):

Athena Diagnostics
Classification: Likely benign. Last evaluated: 2025-02-21. Review status: criteria provided, single submitter. Criteria: Athena Diagnostics Criteria. Collection method: clinical testing. Allele origin: unknown.
Comment: Computational tools yielded predictions that this variant is unlikely to have an effect on normal RNA splicing. This nucleotide position exhibits low evolutionary conservation.

Labcorp Genetics (formerly Invitae), Labcorp
Classification: Likely benign for Spastic paraplegia. Last evaluated: 2023-10-27. Review status: criteria provided, single submitter. Criteria: Invitae Variant Classification Sherloc (09022015). Collection method: clinical testing. Allele origin: germline.

NM_014363.6(SACS):c.5745T>C (p.His1915=)

Gene: SACS (sacsin molecular chaperone; minus strand). Cytogenetic location: 13q12.12.
Variant type: single nucleotide variant.
Coding change: c.5745T>C on transcript NM_014363.6 (MANE Select); coding-DNA position 5745, T replaced by C.
Protein change: p.His1915=; no amino-acid change (histidine 1915 retained).
Molecular consequence: synonymous variant.
Genome position (GRCh38, 1-based): chr13:23,338,131, A>G on the plus strand (T>C on the coding strand, the complement: SACS is on the minus strand). VCF-style: chr13-23338131-A-G. GRCh37 (hg19) VCF-style: chr13-23912270-A-G.
Other names: c.5304T>C, p.His1768= (NM_001278055.2); c.5745T>C (NM_014363.4).
Identifiers: ClinVar variation 1105972 (VCV001105972.10), dbSNP rs750789221, ClinGen allele CA6911200.
Genomic context (GRCh38, chr13:23,338,131, plus strand): 5'-CCCACTAGTGGCCAGGTCCCGTAAGACACTCAGTACCTGTAAGTAAGCTTTCACAATAAC[A>G]TGTCTCATGAACGTGGTATTCCATCGTCCTTTTGTATCTGTTTTCCAGATTTCTTTCCTA-3'
Protein context (NP_055178.3, residues 1905-1925): KGRWNTTFMR[His1915=]VIVKAYLQVL